The following is an entry in ClinVar:

ClinVar aggregate classification (germline): Uncertain significance (1 of 4 stars; one submission).

Conditions:
Fanconi anemia (FA). Also called: Fanconi's anemia. Identifiers: Orphanet 84, MedGen C0015625, MeSH D005199, MONDO:0019391.

Allele frequency attached by ClinVar (database versions not stated): gnomAD exomes 0.00001.

Submission:

Labcorp Genetics (formerly Invitae), Labcorp
Classification: Uncertain significance for Fanconi anemia. Last evaluated: 2025-04-07. Review status: criteria provided, single submitter. Criteria: Invitae Variant Classification Sherloc (09022015). Collection method: clinical testing. Allele origin: germline.
Comment: This sequence change replaces threonine, which is neutral and polar, with serine, which is neutral and polar, at codon 1446 of the SLX4 protein (p.Thr1446Ser). This variant is present in population databases (no rsID available, gnomAD 0.02%). This variant has not been reported in the literature in individuals affected with SLX4-related conditions. ClinVar contains an entry for this variant (Variation ID: 2044478). An algorithm developed to predict the effect of missense changes on protein structure and function (PolyPhen-2) suggests that this variant is likely to be disruptive. In summary, the available evidence is currently insufficient to determine the role of this variant in disease. Therefore, it has been classified as a Variant of Uncertain Significance.

NM_032444.4(SLX4):c.4337C>G (p.Thr1446Ser)

Gene: SLX4 (SLX4 structure-specific endonuclease subunit; minus strand). Cytogenetic location: 16p13.3.
Variant type: single nucleotide variant.
Coding change: c.4337C>G on transcript NM_032444.4 (MANE Select); coding-DNA position 4337, C replaced by G.
Protein change: p.Thr1446Ser; replaces threonine 1446 with serine.
Molecular consequence: missense variant.
Genome position (GRCh38, 1-based): chr16:3,589,301, G>C on the plus strand (C>G on the coding strand, the complement: SLX4 is on the minus strand). VCF-style: chr16-3589301-G-C. GRCh37 (hg19) VCF-style: chr16-3639302-G-C.
Other names: short protein forms T1446S.
Identifiers: ClinVar variation 2044478 (VCV002044478.4), dbSNP rs1258094119, ClinGen allele CA394517340.